The following is an entry in ClinVar:

NM_006204.4(PDE6C):c.1958T>C (p.Leu653Pro)

Gene: PDE6C (phosphodiesterase 6C; plus strand). Cytogenetic location: 10q23.33.
Variant type: single nucleotide variant.
Coding change: c.1958T>C on transcript NM_006204.4 (MANE Select); coding-DNA position 1958, T replaced by C.
Protein change: p.Leu653Pro; replaces leucine 653 with proline.
Molecular consequence: missense variant.
Genome position (GRCh38, 1-based): chr10:93,655,782, T>C. VCF-style: chr10-93655782-T-C. GRCh37 (hg19) VCF-style: chr10-95415539-T-C.
Other names: short protein forms L653P.
Identifiers: ClinVar variation 216982 (VCV000216982.11), dbSNP rs863224908, ClinGen allele CA279030.

ClinVar aggregate classification (germline): Likely pathogenic. Review status: criteria provided, multiple submitters, no conflicts (2 of 4 stars). 2 submissions from 2 submitters: Likely pathogenic (2). Last evaluated 2022-09-26.

Conditions:
Cone dystrophy 4 (COD4). Identifiers: Orphanet 49382, MedGen C2751308, MONDO:0013129, OMIM 613093.

Allele frequency attached by ClinVar (database versions not stated): gnomAD exomes below 0.00001; TOPMed 0.00002.
gnomAD v4.1: 1 of 1,603,252 alleles (0.000062%); highest among the groups gnomAD compares: Admixed American, 0.0017%; no homozygotes.

Submissions (2):

Labcorp Genetics (formerly Invitae), Labcorp
Classification: Likely pathogenic. Last evaluated: 2022-09-26. Review status: criteria provided, single submitter. Criteria: Invitae Variant Classification Sherloc (09022015). Collection method: clinical testing. Allele origin: germline.
Comment: This missense change has been observed in individuals with PDE6C-related conditions (PMID: 25326637; Invitae). This variant is present in population databases (no rsID available, gnomAD 0.003%). In summary, the currently available evidence indicates that the variant is pathogenic, but additional data are needed to prove that conclusively. Therefore, this variant has been classified as Likely Pathogenic. Advanced modeling of protein sequence and biophysical properties (such as structural, functional, and spatial information, amino acid conservation, physicochemical variation, residue mobility, and thermodynamic stability) performed at Invitae indicates that this missense variant is expected to disrupt PDE6C protein function. ClinVar contains an entry for this variant (Variation ID: 216982). This sequence change replaces leucine, which is neutral and non-polar, with proline, which is neutral and non-polar, at codon 653 of the PDE6C protein (p.Leu653Pro).

UCLA Clinical Genomics Center, UCLA
Classification: Likely pathogenic for Cone dystrophy 4. Last evaluated: 2012-10-30. Review status: criteria provided, single submitter. Criteria: Lee et al. (JAMA. 2014). Collection method: clinical testing. Allele origin: germline. Inheritance: Autosomal recessive inheritance. Affected: yes. Study: CES.

Literature cited by the submitters: PubMed 25326637 (cited by Labcorp Genetics (formerly Invitae), Labcorp).